The following is an entry in ClinVar:

ClinVar aggregate classification (germline): Pathogenic. Review status: criteria provided, multiple submitters, no conflicts (2 of 4 stars). 2 submissions from 2 submitters: Pathogenic (2). Last evaluated 2021-07-01.

Conditions:
Hereditary cancer-predisposing syndrome. Also called: Tumor predisposition; Hereditary Cancer Syndrome; Hereditary neoplastic syndrome; Neoplastic Syndromes, Hereditary. Identifiers: Orphanet 140162, MedGen C0027672, MeSH D009386, MONDO:0015356.

Submissions (2):

Color Diagnostics, LLC DBA Color Health
Classification: Pathogenic for Hereditary cancer-predisposing syndrome. Last evaluated: 2021-07-01. Review status: criteria provided, single submitter. Criteria: ACMG Guidelines, 2015. Collection method: clinical testing. Allele origin: germline.
Comment: This variant inserts 1 nucleotide in exon 1 of the CDKN2A (p16INK4A) gene, creating a frameshift and premature translation stop signal. This variant is expected to result in an absent or non-functional protein product. To our knowledge, this variant has not been reported in individuals affected with hereditary cancer in the literature. This variant has not been identified in the general population by the Genome Aggregation Database (gnomAD). Loss of CDKN2A function is a known mechanism of disease. Based on the available evidence, this variant is classified as Pathogenic.

Ambry Genetics
Classification: Pathogenic for Hereditary cancer-predisposing syndrome. Last evaluated: 2016-11-07. Review status: criteria provided, single submitter. Criteria: Ambry Variant Classification Scheme 2023. Collection method: clinical testing. Allele origin: germline.
Comment: The c.45dupG pathogenic mutation, located in coding exon 1 of the CDKN2A gene, results from a duplication of G at nucleotide position 45, causing a translational frameshift with a predicted alternate stop codon. This alteration is expected to result in loss of function by premature protein truncation or nonsense-mediated mRNA decay. As such, this alteration is interpreted as a disease-causing mutation.

NM_000077.5(CDKN2A):c.45dup (p.Leu16fs)

Gene: CDKN2A (cyclin dependent kinase inhibitor 2A; minus strand). Cytogenetic location: 9p21.3.
Variant type: Duplication.
Coding change: c.45dup on transcript NM_000077.5; coding-DNA position 45, one base duplicated (G; older notation c.45dupG).
Protein change: p.Leu16fs; shifts the reading frame from leucine 16.
Molecular consequence: frameshift variant (on NM_000077.6). On other transcripts: intron variant (2).
Genome position (GRCh38, 1-based): chr9:21,974,783, C duplicated on the plus strand (G on the coding strand, the reverse complement: CDKN2A is on the minus strand); the first of 2 consecutive C bases (chr9:21,974,783-21,974,784); duplicating either gives the same sequence. VCF-style (leftmost placement, unchanged base first): chr9-21974782-G-GC. GRCh37 (hg19) VCF-style: chr9-21974781-G-GC.
Other names: c.44dup, p.Leu16Alafs (NM_000077.6); c.45dup, p.Leu16fs (NM_001195132.2, NM_058197.5); c.-3-3575dup (NM_001363763.2); c.194-3575dup (NM_058195.4); c.45dupG (NM_000077.4); c.45dup (NM_000077.4); short protein forms L16fs.
Identifiers: ClinVar variation 429112 (VCV000429112.7), dbSNP rs1131691188, ClinGen allele CA645369445.